The following is an entry in ClinVar:

NM_000936.4(PNLIP):c.906_907del (p.Ala303fs)

Gene: PNLIP (pancreatic lipase; plus strand). Cytogenetic location: 10q25.3.
Variant type: Microsatellite.
Coding change: c.906_907del on transcript NM_000936.4 (MANE Select); coding-DNA positions 906 to 907, 2 bases deleted (TG; older notation c.906_907delTG).
Protein change: p.Ala303fs; shifts the reading frame from alanine 303.
Molecular consequence: frameshift variant.
Genome position (GRCh38, 1-based): chr10:116,556,094-116,556,095, TG deleted; deleting any 2 consecutive bases within chr10:116,556,092-116,556,095 gives the same sequence; the c. name uses the placement nearest the transcript's 3' end. VCF-style (leftmost placement, unchanged base first): chr10-116556091-CTG-C. GRCh37 (hg19) VCF-style: chr10-118315603-CTG-C.
Other names: short protein forms A303fs.
Identifiers: ClinVar variation 3701159 (VCV003701159.2).
Genomic context (GRCh38, chr10:116,556,091, plus strand): 5'-AAGAAGCTACAAATATTACACTGATAGCATCGTCAACCCTGATGGCTTTGCTGGATTCCC[CTG>C]TGCCTCTTACAACGTCTTCACTGCAGTAAGTAGACTCCACCTTCCGCATAAAGAATTTTG-3'

ClinVar aggregate classification (germline): Pathogenic (1 of 4 stars; one submission).

Submission:

Labcorp Genetics (formerly Invitae), Labcorp
Classification: Pathogenic. Last evaluated: 2024-08-29. Review status: criteria provided, single submitter. Criteria: Invitae Variant Classification Sherloc (09022015). Collection method: clinical testing. Allele origin: germline.
Comment: This sequence change creates a premature translational stop signal (p.Ala303Leufs*26) in the PNLIP gene. It is expected to result in an absent or disrupted protein product. Loss-of-function variants in PNLIP are known to be pathogenic (PMID: 31977950, 35284057). This variant is present in population databases (rs747224675, gnomAD 0.004%). This variant has not been reported in the literature in individuals affected with PNLIP-related conditions. For these reasons, this variant has been classified as Pathogenic.

Literature cited by the submitters: PubMed 31977950; PubMed 35284057.